The following is an entry in ClinVar:

NM_003722.5(TP63):c.2040G>C (p.Glu680Asp)

Gene: TP63 (tumor protein p63; plus strand). Cytogenetic location: 3q28.
Variant type: single nucleotide variant.
Coding change: c.2040G>C on transcript NM_003722.5 (MANE Select); coding-DNA position 2040, G replaced by C.
Protein change: p.Glu680Asp; replaces glutamic acid 680 with aspartic acid.
Molecular consequence: missense variant. On other transcripts: 3 prime UTR variant (6).
Genome position (GRCh38, 1-based): chr3:189,894,499, G>C. VCF-style: chr3-189894499-G-C. GRCh37 (hg19) VCF-style: chr3-189612288-G-C.
Other names: c.*278G>C (NM_001114978.2, NM_001114981.2); c.1758G>C, p.Glu586Asp (NM_001114980.2); c.*268G>C (NM_001329144.2, NM_001329145.2, NM_001329149.2 and 1 more transcripts); c.1503G>C, p.Glu501Asp (NM_001329146.2); c.2028G>C, p.Glu676Asp (NM_001329148.2); c.2034G>C, p.Glu678Asp (NM_001329964.2); short protein forms E501D, E586D, E676D, E678D, E680D.
Identifiers: ClinVar variation 2421970 (VCV002421970.6), dbSNP rs1039227920, ClinGen allele CA89713412.

ClinVar aggregate classification (germline): Uncertain significance. Review status: criteria provided, multiple submitters, no conflicts (2 of 4 stars). 2 submissions from 2 submitters: Uncertain significance (2). Last evaluated 2024-01-15.

Conditions:
TP63-Related Spectrum Disorders.
Ankyloblepharon-ectodermal defects-cleft lip/palate syndrome. Also called: Ankyloblepharon-Ectodermal Defects-Cleft Lip/Palate Syndrome (AEC Syndrome); Hay-Wells syndrome of ectodermal dysplasia; AEC SYNDROME; HAY-WELLS SYNDROME; Ankyloblepharon-ectodermal defects, cleft lip/palate. Identifiers: Orphanet 1071, MedGen C0406709, MONDO:0007124, OMIM 106260.
Rapp-Hodgkin syndrome (RHS). Also called: ECTODERMAL DYSPLASIA, ANHIDROTIC, WITH CLEFT LIP/PALATE; Rapp-Hodgkin ectodermal dysplasia syndrome; Isolated Cleft Lip/Cleft Palate (Orofacial Cleft 8). Identifiers: MedGen C1785148, MONDO:0007508, OMIM 129400.
Limb-mammary syndrome (LMS). Also called: Mammary hypoplasia, ectrodactyly, and other hand/foot anomalies. Identifiers: Orphanet 69085, MedGen C1863753, MONDO:0011334, OMIM 603543.
Orofacial cleft 8. Also called: Cleft lip with or without cleft palate, nonsyndromic, 8. Identifiers: MedGen C1851878, MONDO:0029145, OMIM 618149.
Premature ovarian failure 21 (POF21). Identifiers: MedGen C5830399, MONDO:0957216, OMIM 620311.
Ectrodactyly, ectodermal dysplasia, and cleft lip-palate syndrome 3. Also called: Ectrodactyly, Ectodermal Dysplasia, Cleft Lip/Palate Syndrome 3 (EEC3); Ectrodactyly, Ectodermal Dysplasia, Clefting Syndrome; EEC SYNDROME 3; Ectrodactyly, Ectodermal Dysplasia, Clefting Syndrome Type 3 (EEC3). Identifiers: Orphanet 1896, MedGen C1858562, MONDO:0011428, OMIM 604292.
ADULT syndrome. Also called: Acro-dermato-ungual-lacrimal-tooth (adult) syndrome; ACRO-DERMATO-UNGUAL-LACRIMAL-TOOTH SYNDROME; Acro-Dermo-Ungual-Lacrimal-Tooth Syndrome (ADULT Syndrome). Identifiers: Orphanet 978, MedGen C1863204, MONDO:0007072, OMIM 103285.
Split hand-foot malformation 4. Also called: Split-Hand/Foot Malformation Type 4 (SHFM4); Split-Hand/Foot Malformation Type 4 (SHFM4 syndrome). Identifiers: Orphanet 2440, MedGen C1854442, MONDO:0011535, OMIM 605289.

Allele frequency attached by ClinVar (database versions not stated): TOPMed 0.00002.
gnomAD v4.1: 1 of 1,613,076 alleles (0.000062%); no homozygotes.

Submissions (2):

Fulgent Genetics
Classification: Uncertain significance for ADULT syndrome; Ankyloblepharon-ectodermal defects-cleft lip/palate syndrome; Rapp-Hodgkin syndrome; Limb-mammary syndrome; Ectrodactyly, ectodermal dysplasia, and cleft lip-palate syndrome 3; Split hand-foot malformation 4; Orofacial cleft 8; Premature ovarian failure 21. Last evaluated: 2024-01-15. Review status: criteria provided, single submitter. Criteria: ACMG Guidelines, 2015. Collection method: clinical testing. Allele origin: germline.

Labcorp Genetics (formerly Invitae), Labcorp
Classification: Uncertain significance. Last evaluated: 2022-08-21. Review status: criteria provided, single submitter. Criteria: Invitae Variant Classification Sherloc (09022015). Collection method: clinical testing. Allele origin: germline.
Comment: This variant has not been reported in the literature in individuals affected with TP63-related conditions. In summary, the available evidence is currently insufficient to determine the role of this variant in disease. Therefore, it has been classified as a Variant of Uncertain Significance. Algorithms developed to predict the effect of missense changes on protein structure and function are either unavailable or do not agree on the potential impact of this missense change (SIFT: "Deleterious"; PolyPhen-2: "Probably Damaging"; Align-GVGD: "Class C0"). This variant is not present in population databases (gnomAD no frequency). This sequence change replaces glutamic acid, which is acidic and polar, with aspartic acid, which is acidic and polar, at codon 680 of the TP63 protein (p.Glu680Asp).